The following is an entry in ClinVar:

NM_138420.4(AHNAK2):c.2956C>T (p.Leu986=)

Gene: AHNAK2 (AHNAK nucleoprotein 2; minus strand). Cytogenetic location: 14q32.33.
Variant type: single nucleotide variant.
Coding change: c.2956C>T on transcript NM_138420.4 (MANE Select); coding-DNA position 2956, C replaced by T.
Protein change: p.Leu986=; no amino-acid change (leucine 986 retained).
Molecular consequence: synonymous variant.
Genome position (GRCh38, 1-based): chr14:104,952,495, G>A on the plus strand (C>T on the coding strand, the complement: AHNAK2 is on the minus strand). VCF-style: chr14-104952495-G-A. GRCh37 (hg19) VCF-style: chr14-105418832-G-A.
Other names: c.2656C>T, p.Leu886= (NM_001350929.2).
Identifiers: ClinVar variation 3905245 (VCV003905245.10).

ClinVar aggregate classification (germline): Likely benign (1 of 4 stars; one submission).

Submission:

CeGaT Center for Human Genetics Tuebingen
Classification: Likely benign. Last evaluated: 2026-04-01. Review status: criteria provided, single submitter. Criteria: CeGaT Center For Human Genetics Tuebingen Variant Classification Criteria Version 2. Collection method: clinical testing. Allele origin: germline. Affected: yes. Observed: 2 variant alleles.
Comment: AHNAK2: BP4, BP7